The following is an entry in ClinVar:

ClinVar aggregate classification (germline): Uncertain significance (1 of 4 stars; one submission).

Conditions:
Familial cold autoinflammatory syndrome 3 (FCAS3). Also called: FAMILIAL ATYPICAL COLD URTICARIA; ANTIBODY DEFICIENCY AND IMMUNE DYSREGULATION, PLCG2-ASSOCIATED. Identifiers: Orphanet 300359, MedGen C3280914, MONDO:0013766, OMIM 614468.

gnomAD v4.1: 4 of 1,612,668 alleles (0.00025%); highest among the groups gnomAD compares: African/African-American, 0.0013%; no homozygotes.

Submission:

Labcorp Genetics (formerly Invitae), Labcorp
Classification: Uncertain significance for Familial cold autoinflammatory syndrome 3. Last evaluated: 2025-11-24. Review status: criteria provided, single submitter. Criteria: Invitae Variant Classification Sherloc (09022015). Collection method: clinical testing. Allele origin: germline.
Comment: This sequence change replaces aspartic acid, which is acidic and polar, with glutamic acid, which is acidic and polar, at codon 118 of the PLCG2 protein (p.Asp118Glu). This variant is not present in population databases (gnomAD no frequency). This variant has not been reported in the literature in individuals affected with PLCG2-related conditions. ClinVar contains an entry for this variant (Variation ID: 3667477). An algorithm developed to predict the effect of missense changes on protein structure and function (PolyPhen-2) suggests that this variant is likely to be tolerated. In summary, the available evidence is currently insufficient to determine the role of this variant in disease. Therefore, it has been classified as a Variant of Uncertain Significance.

NM_002661.5(PLCG2):c.354T>A (p.Asp118Glu)

Gene: PLCG2 (phospholipase C gamma 2; plus strand). Cytogenetic location: 16q23.3.
Variant type: single nucleotide variant.
Coding change: c.354T>A on transcript NM_002661.5 (MANE Select); coding-DNA position 354, T replaced by A.
Protein change: p.Asp118Glu; replaces aspartic acid 118 with glutamic acid.
Molecular consequence: missense variant.
Genome position (GRCh38, 1-based): chr16:81,858,279, T>A. VCF-style: chr16-81858279-T-A. GRCh37 (hg19) VCF-style: chr16-81891884-T-A.
Other names: c.354T>A, p.Asp118Glu (NM_001425751.1, NM_001425749.1, NM_001425750.1); short protein forms D118E.
Identifiers: ClinVar variation 3667477 (VCV003667477.2).
Genomic context (GRCh38, chr16:81,858,279, plus strand): 5'-CCCAGGAATTAACACAGCATTTCTGTTCCCTTTCTCCACTCCAGCTGACTCTAAAGAGGA[T>A]GCAGTTAACTGGCTCTCTGGCTTGAAAATCTTACACCAGGAAGCGATGAATGCGTCCACG-3'
Protein context (NP_002652.2, residues 108-128): TLSLAADSKE[Asp118Glu]AVNWLSGLKI